The following is an entry in ClinVar:

NM_004818.3(DDX23):c.1912C>T (p.Arg638Cys)

Gene: DDX23 (DEAD-box helicase 23; minus strand). Cytogenetic location: 12q13.12.
Variant type: single nucleotide variant.
Coding change: c.1912C>T on transcript NM_004818.3 (MANE Select); coding-DNA position 1912, C replaced by T.
Protein change: p.Arg638Cys; replaces arginine 638 with cysteine.
Molecular consequence: missense variant.
Genome position (GRCh38, 1-based): chr12:48,832,465, G>A on the plus strand (C>T on the coding strand, the complement: DDX23 is on the minus strand). VCF-style: chr12-48832465-G-A. GRCh37 (hg19) VCF-style: chr12-49226248-G-A.
Other names: short protein forms R638C.
Identifiers: ClinVar variation 1699432 (VCV001699432.3), dbSNP rs2137480864, ClinGen allele CA384668549.

ClinVar aggregate classification (germline): Likely pathogenic (1 of 4 stars; one submission).

Conditions:
Neurodevelopmental disorder. Identifiers: MedGen C1535926, MeSH D065886, MONDO:0700092.

gnomAD v4.1: 1 of 1,614,060 alleles (0.000062%); highest among the groups gnomAD compares: Non-Finnish European, 0.000085%; no homozygotes.

Submission:

Victorian Clinical Genetics Services, Murdoch Childrens Research Institute
Classification: Likely pathogenic for Neurodevelopmental disorder. Last evaluated: 2022-09-02. Review status: criteria provided, single submitter. Criteria: ACMG Guidelines, 2015. Collection method: clinical testing. Allele origin: germline. Inheritance: Autosomal dominant inheritance. Affected: yes.
Comment: Based on the classification scheme VCGS_Germline_v1.3.4, this variant is classified as Likely Pathogenic. Following criteria are met: 0105 - The mechanism of disease for this gene is not clearly established. However, dominant negative or gain of function, rather than loss of function, appears to be the most likely mechanism (PMID:34050707). (I) 0107 - This gene is associated with autosomal dominant disease. (I) 0200 - Variant is predicted to result in a missense amino acid change from arginine to cysteine. (I) 0251 - This variant is heterozygous. (I) 0301 - Variant is absent from gnomAD (both v2 and v3). (SP) 0501 - Missense variant consistently predicted to be damaging by multiple in silico tools or highly conserved with a major amino acid change. (SP) 0603 - Missense variant in a region that is highly intolerant to missense variation (high constraint region in DECIPHER). This variant is also located in the annotated RecA-like domain where other pathogenic missense variants have been reported (PMID:34050707). (SP) 0705 - No comparable missense variants have previous evidence for pathogenicity. (I) 0807 - This variant has no previous evidence of pathogenicity. (I) 0905 - No published segregation evidence has been identified for this variant. (I) 1007 - No published functional evidence has been identified for this variant. (SP) Legend: (SP) - Supporting pathogenic, (I) - Information, (SB) - Supporting benign

Literature cited by the submitters: PubMed 34050707.